The following is an entry in ClinVar:

NM_032217.5(ANKRD17):c.6724G>A (p.Ala2242Thr)

Gene: ANKRD17 (ankyrin repeat domain 17; minus strand). Cytogenetic location: 4q13.3.
Variant type: single nucleotide variant.
Coding change: c.6724G>A on transcript NM_032217.5 (MANE Select); coding-DNA position 6724, G replaced by A.
Protein change: p.Ala2242Thr; replaces alanine 2242 with threonine.
Molecular consequence: missense variant.
Genome position (GRCh38, 1-based): chr4:73,090,904, C>T on the plus strand (G>A on the coding strand, the complement: ANKRD17 is on the minus strand). VCF-style: chr4-73090904-C-T. GRCh37 (hg19) VCF-style: chr4-73956621-C-T.
Other names: c.6385G>A, p.Ala2129Thr (NM_001286771.3); c.6721G>A, p.Ala2241Thr (NM_015574.2); c.5971G>A, p.Ala1991Thr (NM_198889.3); short protein forms A1991T, A2242T, A2129T, A2241T.
Identifiers: ClinVar variation 4998819 (VCV004998819.1).
Genomic context (GRCh38, chr4:73,090,904, plus strand): 5'-GGCTGTTTTCAAACAATGTGCTAAAGGGCCCAAATGGTAAGGGGGCACTGAAATTGGGAG[C>T]AATAGGCTTATTTGCTGGATGTACTGAATTCTGACAAGCACTTTGTGTACTTAAGGTCGA-3'
Protein context (NP_115593.3, residues 2232-2252): NSVHPANKPI[Ala2242Thr]PNFSAPLPFG

ClinVar aggregate classification (germline): Uncertain significance (1 of 4 stars; one submission).

Conditions:
ANKRD17-related disorder. Also called: ANKRD17-related condition.

gnomAD v4.1: 1 of 1,614,186 alleles (0.000062%); highest among the groups gnomAD compares: Non-Finnish European, 0.000085%; no homozygotes.

Submission:

PreventionGenetics, part of Exact Sciences
Classification: Uncertain significance for ANKRD17-related condition. Last evaluated: 2025-06-20. Review status: criteria provided, single submitter. Criteria: ACMG Guidelines, 2015. Collection method: clinical testing. Allele origin: germline.
Comment: The ANKRD17 c.6724G>A variant is predicted to result in the amino acid substitution p.Ala2242Thr. To our knowledge, this variant has not been reported in the literature or in a large population database (gnomAD), indicating this variant is rare. At this time, the clinical significance of this variant is uncertain due to the absence of conclusive functional and genetic evidence.